The following is an entry in ClinVar:

ClinVar aggregate classification (germline): Likely benign (0 of 4 stars; one submission).

Conditions:
WASHC5-related disorder. Also called: WASHC5-related condition.

Allele frequency attached by ClinVar (database versions not stated): gnomAD exomes below 0.00001; ExAC 0.00001; gnomAD 0.00001; TOPMed 0.00002.
gnomAD v4.1: 3 of 1,612,034 alleles (0.00019%); highest among the groups gnomAD compares: Non-Finnish European, 0.00025%; no homozygotes.

Submission:

PreventionGenetics, part of Exact Sciences
Classification: Likely benign for WASHC5-related condition. Last evaluated: 2019-05-23. Review status: no assertion criteria provided. Collection method: clinical testing. Allele origin: germline.
Comment: This variant is classified as likely benign based on ACMG/AMP sequence variant interpretation guidelines (Richards et al. 2015 PMID: 25741868, with internal and published modifications).

NM_014846.4(WASHC5):c.2364C>T (p.Asn788=)

Gene: WASHC5 (WASH complex subunit 5; minus strand). Cytogenetic location: 8q24.13.
Variant type: single nucleotide variant.
Coding change: c.2364C>T on transcript NM_014846.4 (MANE Select); coding-DNA position 2364, C replaced by T.
Protein change: p.Asn788=; no amino-acid change (asparagine 788 retained).
Molecular consequence: synonymous variant.
Genome position (GRCh38, 1-based): chr8:125,049,021, G>A on the plus strand (C>T on the coding strand, the complement: WASHC5 is on the minus strand). VCF-style: chr8-125049021-G-A. GRCh37 (hg19) VCF-style: chr8-126061263-G-A.
Other names: c.1920C>T, p.Asn640= (NM_001330609.2).
Identifiers: ClinVar variation 3038912 (VCV003038912.2), dbSNP rs780821746, ClinGen allele CA4873550.
Genomic context (GRCh38, chr8:125,049,021, plus strand): 5'-GAGAAATAACAAATATAGTCAAGAATTTTAAAATTTATTAGATACCTTCGTTCTTAGAAA[G>A]TTATTACACTCTTGCTCCACGTTGTAATTTATGATACGAGATACTTCTTCCTGCCAAATC-3'
Protein context (NP_055661.3, residues 778-798): INYNVEQECN[Asn788=]FLRTKIQDWQ